The following is an entry in ClinVar:

ClinVar aggregate classification (germline): Benign/Likely benign. Review status: criteria provided, multiple submitters, no conflicts (2 of 4 stars). 13 submissions from 13 submitters: Benign (6); Likely benign (5). 2 of the submissions do not count toward it. Last evaluated 2026-08-01.

Conditions:
STK11-related disorder. Also called: STK11-related condition.
Hereditary cancer-predisposing syndrome. Also called: Neoplastic Syndromes, Hereditary; Tumor predisposition; Hereditary neoplastic syndrome; Hereditary Cancer Syndrome. Identifiers: Orphanet 140162, MedGen C0027672, MeSH D009386, MONDO:0015356.
Peutz-Jeghers syndrome (PJS). Also called: POLYPOSIS, HAMARTOMATOUS INTESTINAL; POLYPS-AND-SPOTS SYNDROME; Peutz-Jeghers polyposis; Periorificial lentiginosis syndrome. Identifiers: Orphanet 2869, MedGen C0031269, MeSH D010580, MONDO:0008280, OMIM 175200.

Allele frequency attached by ClinVar (database versions not stated): gnomAD 0.00003 and 0.00004; gnomAD exomes 0.00004 and 0.00020; TOPMed 0.00005; ExAC 0.00024.
gnomAD v4.1: 55 of 1,609,728 alleles (0.0034%); highest among the groups gnomAD compares: Admixed American, 0.085%; no homozygotes.

Submissions (13):

CeGaT Center for Human Genetics Tuebingen
Classification: Likely benign. Last evaluated: 2026-08-01. Review status: criteria provided, single submitter. Criteria: CeGaT Center For Human Genetics Tuebingen Variant Classification Criteria Version 2. Collection method: clinical testing. Allele origin: germline. Affected: yes. Observed: 2 variant alleles.
Comment: STK11: BP4

Labcorp Genetics (formerly Invitae), Labcorp
Classification: Benign for Peutz-Jeghers syndrome. Last evaluated: 2026-01-26. Review status: criteria provided, single submitter. Criteria: Invitae Variant Classification Sherloc (09022015). Collection method: clinical testing. Allele origin: germline.

Department of Pathology and Laboratory Medicine, Sinai Health System
Classification: Likely benign for Peutz-Jeghers syndrome. Last evaluated: 2024-06-04. Review status: criteria provided, single submitter. Criteria: ACMG Guidelines, 2015. Collection method: clinical testing. Allele origin: germline. Affected: yes.

Myriad Genetics, Inc.
Classification: Likely benign for Peutz-Jeghers syndrome. Last evaluated: 2023-04-14. Review status: criteria provided, single submitter. Criteria: Myriad Autosomal Dominant, Autosomal Recessive and X-Linked Classification Criteria (2023). Collection method: clinical testing. Allele origin: unknown.
Comment: This variant is considered likely benign. This variant is intronic and is not expected to impact mRNA splicing.

Sema4
Classification: Benign for Hereditary cancer-predisposing syndrome. Last evaluated: 2022-01-09. Review status: criteria provided, single submitter. Criteria: Sema4 Curation Guidelines. Collection method: curation. Allele origin: germline.

Genome-Nilou Lab
Classification: Likely benign for Peutz-Jeghers syndrome. Last evaluated: 2021-07-15. Review status: criteria provided, single submitter. Criteria: ACMG Guidelines, 2015. Collection method: clinical testing. Allele origin: germline. Affected: no.

Quest Diagnostics Nichols Institute San Juan Capistrano
Classification: Benign. Last evaluated: 2020-05-04. Review status: criteria provided, single submitter. Criteria: Quest Diagnostics criteria. Collection method: clinical testing. Allele origin: unknown.

Women's Health and Genetics/Laboratory Corporation of America, LabCorp
Classification: Benign. Last evaluated: 2018-07-13. Review status: criteria provided, single submitter. Criteria: LabCorp Variant Classification Summary - May 2015. Collection method: clinical testing. Allele origin: germline.
Comment: Variant summary: STK11 c.1109-5C>T alters a non-conserved nucleotide located close to a canonical splice site and therefore could affect mRNA splicing, however 5/5 computational tools predict no significant impact on normal splicing. These predictions have yet to be confirmed by functional studies. The variant allele was found at a frequency of 0.00017 in 267348 control chromosomes (gnomAD). The observed variant frequency is approximately 28-fold of the estimated maximal expected allele frequency for a pathogenic variant in STK11 causing Peutz-Jeghers Syndrome phenotype (6.3e-06), strongly suggesting that the variant is benign. To our knowledge, no occurrence of c.1109-5C>T in individuals affected with Peutz-Jeghers Syndrome and no experimental evidence demonstrating its impact on protein function have been reported. Three clinical diagnostic laboratories have submitted clinical-significance assessments for this variant to ClinVar after 2014 without evidence for independent evaluation (2x likely benign/benign, 1x VUS). Based on the evidence outlined above, the variant was classified as benign.

Ambry Genetics
Classification: Likely benign for Hereditary cancer-predisposing syndrome. Last evaluated: 2018-06-11. Review status: criteria provided, single submitter. Criteria: Ambry Variant Classification Scheme 2023. Collection method: clinical testing. Allele origin: germline.

Color Diagnostics, LLC DBA Color Health
Classification: Benign for Hereditary cancer-predisposing syndrome. Last evaluated: 2016-07-22. Review status: criteria provided, single submitter. Criteria: ACMG Guidelines, 2015. Collection method: clinical testing. Allele origin: germline.

GeneDx
Classification: Benign. Last evaluated: 2015-03-03. Review status: criteria provided, single submitter. Criteria: GeneDx Variant Classification Process June 2021. Collection method: clinical testing. Allele origin: germline. Affected: yes.

PreventionGenetics, part of Exact Sciences
Classification: Likely benign for STK11-related condition. Last evaluated: 2019-10-23. Review status: no assertion criteria provided. Collection method: clinical testing. Allele origin: germline. Not counted in ClinVar's aggregate classification.
Comment: This variant is classified as likely benign based on ACMG/AMP sequence variant interpretation guidelines (Richards et al. 2015 PMID: 25741868, with internal and published modifications).

Counsyl
Classification: Uncertain significance for Peutz-Jeghers syndrome. Last evaluated: 2016-05-03. Review status: no assertion criteria provided. Collection method: clinical testing. Allele origin: unknown. Not counted in ClinVar's aggregate classification.

NM_000455.5(STK11):c.1109-5C>T

Gene: STK11 (serine/threonine kinase 11; plus strand). Cytogenetic location: 19p13.3.
Variant type: single nucleotide variant.
Coding change: c.1109-5C>T on transcript NM_000455.5 (MANE Select); 5 bases into the intron before coding-DNA position 1109, C replaced by T.
Molecular consequence: intron variant.
Genome position (GRCh38, 1-based): chr19:1,226,449, C>T. VCF-style: chr19-1226449-C-T. GRCh37 (hg19) VCF-style: chr19-1226448-C-T.
Identifiers: ClinVar variation 141797 (VCV000141797.32), dbSNP rs587782020, ClinGen allele CA022315.